The following is an entry in ClinVar:

NM_182961.4(SYNE1):c.25249G>A (p.Val8417Met)

Gene: SYNE1 (spectrin repeat containing nuclear envelope protein 1; minus strand). Cytogenetic location: 6q25.2.
Variant type: single nucleotide variant.
Coding change: c.25249G>A on transcript NM_182961.4 (MANE Select); coding-DNA position 25249, G replaced by A.
Protein change: p.Val8417Met; replaces valine 8417 with methionine.
Molecular consequence: missense variant.
Genome position (GRCh38, 1-based): chr6:152,140,159, C>T on the plus strand (G>A on the coding strand, the complement: SYNE1 is on the minus strand). VCF-style: chr6-152140159-C-T. GRCh37 (hg19) VCF-style: chr6-152461294-C-T.
Other names: c.1855G>A, p.Val619Met (NM_001347701.2); c.1783G>A, p.Val595Met (NM_001347702.2); c.25105G>A, p.Val8369Met (NM_033071.5); short protein forms V595M, V619M, V8369M, V8417M.
Identifiers: ClinVar variation 4538822 (VCV004538822.1).

ClinVar aggregate classification (germline): Uncertain significance (1 of 4 stars; one submission).

Submission:

GeneDx
Classification: Uncertain significance. Last evaluated: 2025-06-16. Review status: criteria provided, single submitter. Criteria: GeneDx Variant Classification Process June 2021. Collection method: clinical testing. Allele origin: germline. Affected: yes.
Comment: Not observed at significant frequency in large population cohorts (gnomAD); In silico analysis supports that this missense variant has a deleterious effect on protein structure/function; Has not been previously published as pathogenic or benign to our knowledge